The following is an entry in ClinVar:

NM_004438.5(EPHA4):c.742G>C (p.Gly248Arg)

Gene: EPHA4 (EPH receptor A4; minus strand). Cytogenetic location: 2q36.1.
Variant type: single nucleotide variant.
Coding change: c.742G>C on transcript NM_004438.5 (MANE Select); coding-DNA position 742, G replaced by C.
Protein change: p.Gly248Arg; replaces glycine 248 with arginine.
Molecular consequence: missense variant.
Genome position (GRCh38, 1-based): chr2:221,563,812, C>G on the plus strand (G>C on the coding strand, the complement: EPHA4 is on the minus strand). VCF-style: chr2-221563812-C-G. GRCh37 (hg19) VCF-style: chr2-222428532-C-G.
Other names: c.742G>C (NM_004438.3); c.742G>C, p.Gly248Arg (NM_001304536.2, NM_001363748.2); c.589G>C, p.Gly197Arg (NM_001304537.2); short protein forms G197R, G248R.
Identifiers: ClinVar variation 1716809 (VCV001716809.7), dbSNP rs2469396398, ClinGen allele CA350409572.

ClinVar aggregate classification (germline): Uncertain significance. Review status: criteria provided, multiple submitters, no conflicts (2 of 4 stars). 2 submissions from 2 submitters: Uncertain significance (2). Last evaluated 2023-08-22.

Submissions (2):

Ambry Genetics
Classification: Uncertain significance. Last evaluated: 2023-08-22. Review status: criteria provided, single submitter. Criteria: Ambry Variant Classification Scheme 2023. Collection method: clinical testing. Allele origin: germline.

Labcorp Genetics (formerly Invitae), Labcorp
Classification: Uncertain significance. Last evaluated: 2022-08-19. Review status: criteria provided, single submitter. Criteria: Invitae Variant Classification Sherloc (09022015). Collection method: clinical testing. Allele origin: germline.
Comment: This variant is not present in population databases (gnomAD no frequency). This variant has not been reported in the literature in individuals affected with EPHA4-related conditions. Algorithms developed to predict the effect of missense changes on protein structure and function (SIFT, PolyPhen-2, Align-GVGD) all suggest that this variant is likely to be disruptive. In summary, the available evidence is currently insufficient to determine the role of this variant in disease. Therefore, it has been classified as a Variant of Uncertain Significance. This sequence change replaces glycine, which is neutral and non-polar, with arginine, which is basic and polar, at codon 248 of the EPHA4 protein (p.Gly248Arg).